The following is an entry in ClinVar:

ClinVar aggregate classification (germline): Uncertain significance. Review status: criteria provided, multiple submitters, no conflicts (2 of 4 stars). 2 submissions from 2 submitters: Uncertain significance (2). Last evaluated 2025-09-21.

gnomAD v4.1: 32 of 1,613,190 alleles (0.002%); highest among the groups gnomAD compares: African/African-American, 0.029%; no homozygotes.

Submissions (2):

Ambry Genetics
Classification: Uncertain significance. Last evaluated: 2025-09-21. Review status: criteria provided, single submitter. Criteria: Ambry Variant Classification Scheme 2023. Collection method: clinical testing. Allele origin: germline.

Labcorp Genetics (formerly Invitae), Labcorp
Classification: Uncertain significance. Last evaluated: 2025-05-04. Review status: criteria provided, single submitter. Criteria: Invitae Variant Classification Sherloc (09022015). Collection method: clinical testing. Allele origin: germline.
Comment: This sequence change replaces isoleucine, which is neutral and non-polar, with threonine, which is neutral and polar, at codon 1485 of the HMCN1 protein (p.Ile1485Thr). This variant is present in population databases (rs750708451, gnomAD 0.02%). This variant has not been reported in the literature in individuals affected with HMCN1-related conditions. ClinVar contains an entry for this variant (Variation ID: 3670857). An algorithm developed to predict the effect of missense changes on protein structure and function (PolyPhen-2) suggests that this variant is likely to be disruptive. In summary, the available evidence is currently insufficient to determine the role of this variant in disease. Therefore, it has been classified as a Variant of Uncertain Significance.

NM_031935.3(HMCN1):c.4454T>C (p.Ile1485Thr)

Gene: HMCN1 (hemicentin 1; plus strand). Cytogenetic location: 1q31.1.
Variant type: single nucleotide variant.
Coding change: c.4454T>C on transcript NM_031935.3 (MANE Select); coding-DNA position 4454, T replaced by C.
Protein change: p.Ile1485Thr; replaces isoleucine 1485 with threonine.
Molecular consequence: missense variant.
Genome position (GRCh38, 1-based): chr1:186,003,823, T>C. VCF-style: chr1-186003823-T-C. GRCh37 (hg19) VCF-style: chr1-185972955-T-C.
Other names: c.4454T>C (NM_031935.2); short protein forms I1485T.
Identifiers: ClinVar variation 3670857 (VCV003670857.3).
Genomic context (GRCh38, chr1:186,003,823, plus strand): 5'-TTGTCCTCAACCGTGACGTCGCCCTTGAATGCCAGGTCAAAGGCACTCCCTTTCCTGATA[T>C]TCATTGGTTCAAAGATGGCAAGTGAGTATCTTTTCTGTATTTGTTGCAAGGTTTCAATGA-3'
Protein context (NP_114141.2, residues 1475-1495): CQVKGTPFPD[Ile1485Thr]HWFKDGKPLF